The following is an entry in ClinVar:

NM_025114.4(CEP290):c.5724A>C (p.Glu1908Asp)

Gene: CEP290 (centrosomal protein 290; minus strand). Cytogenetic location: 12q21.32.
Variant type: single nucleotide variant.
Coding change: c.5724A>C on transcript NM_025114.4 (MANE Select); coding-DNA position 5724, A replaced by C.
Protein change: p.Glu1908Asp; replaces glutamic acid 1908 with aspartic acid.
Molecular consequence: missense variant.
Genome position (GRCh38, 1-based): chr12:88,071,912, T>G on the plus strand (A>C on the coding strand, the complement: CEP290 is on the minus strand). VCF-style: chr12-88071912-T-G. GRCh37 (hg19) VCF-style: chr12-88465689-T-G.
Other names: p.Glu1908Asp; c.5724A>C (NM_025114.3); short protein forms E1908D.
Identifiers: ClinVar variation 1476214 (VCV001476214.10), dbSNP rs769370948, ClinGen allele CA6711654.
Genomic context (GRCh38, chr12:88,071,912, plus strand): 5'-CTTGTTTCGAATTCCTTCTATTTTGGCTTGCCACTTTTTACCTTCTTCCCACCTAATTAA[T>G]TCTTCTTTAGCATTCTGTAACAATAACGAAGGAGGTAGGAAAATTACCAGTGTTATTTTA-3'
Protein context (NP_079390.3, residues 1898-1918): KPMKEKNAKE[Glu1908Asp]LIRWEEGKKW

ClinVar aggregate classification (germline): Uncertain significance. Review status: criteria provided, multiple submitters, no conflicts (2 of 4 stars). 4 submissions from 4 submitters: Uncertain significance (4). Last evaluated 2025-02-09.

Conditions:
Inborn genetic diseases. Identifiers: MedGen C0950123, MeSH D030342.
Joubert syndrome 5 (JBTS5). Identifiers: Orphanet 2318, MedGen C1857780, MONDO:0012432, OMIM 610188.
Leber congenital amaurosis 10 (LCA10). Identifiers: Orphanet 65, MedGen C1857821, MONDO:0012723, OMIM 611755.
Senior-Loken syndrome 6 (SLSN6). Identifiers: Orphanet 3156, MedGen C1857779, MONDO:0012433, OMIM 610189.
Bardet-Biedl syndrome 14 (BBS14). Identifiers: Orphanet 110, MedGen C2673874, MONDO:0014442, OMIM 615991.
Meckel syndrome, type 4 (MKS4). Also called: MECKEL-GRUBER SYNDROME, TYPE 4. Identifiers: Orphanet 564, MedGen C1970161, MONDO:0012626, OMIM 611134.
Nephronophthisis. Also called: Juvenile Nephronophthisis. Identifiers: Orphanet 655, MedGen C0687120, MONDO:0019005, HP:0000090.
Meckel-Gruber syndrome. Also called: DYSENCEPHALIA SPLANCHNOCYSTICA; GRUBER SYNDROME; Dysencephalia splachnocystica. Identifiers: Orphanet 564, MedGen C0265215, MONDO:0018921.
Joubert syndrome. Also called: CEREBELLOPARENCHYMAL DISORDER IV; JOUBERT-BOLTSHAUSER SYNDROME; Familial aplasia of the vermis. Identifiers: Orphanet 475, MedGen C5979921, MONDO:0018772.

Allele frequency attached by ClinVar (database versions not stated): gnomAD exomes below 0.00001 and 0.00001; ExAC 0.00001; TOPMed 0.00001; gnomAD 0.00003 and 0.00004.
gnomAD v4.1: 10 of 1,595,312 alleles (0.00063%); highest among the groups gnomAD compares: African/African-American, 0.014%; no homozygotes.

Submissions (4):

Ambry Genetics
Classification: Uncertain significance for Inborn genetic diseases. Last evaluated: 2025-02-09. Review status: criteria provided, single submitter. Criteria: Ambry Variant Classification Scheme 2023. Collection method: clinical testing. Allele origin: germline.

Labcorp Genetics (formerly Invitae), Labcorp
Classification: Uncertain significance for Joubert syndrome; Meckel-Gruber syndrome; Nephronophthisis. Last evaluated: 2025-01-06. Review status: criteria provided, single submitter. Criteria: Invitae Variant Classification Sherloc (09022015). Collection method: clinical testing. Allele origin: germline.
Comment: This sequence change replaces glutamic acid, which is acidic and polar, with aspartic acid, which is acidic and polar, at codon 1908 of the CEP290 protein (p.Glu1908Asp). This variant is present in population databases (rs769370948, gnomAD 0.009%). This missense change has been observed in individual(s) with retinitis pigmentosa (internal data). ClinVar contains an entry for this variant (Variation ID: 1476214). Invitae Evidence Modeling of protein sequence and biophysical properties (such as structural, functional, and spatial information, amino acid conservation, physicochemical variation, residue mobility, and thermodynamic stability) indicates that this missense variant is expected to disrupt CEP290 protein function with a positive predictive value of 80%. In summary, the available evidence is currently insufficient to determine the role of this variant in disease. Therefore, it has been classified as a Variant of Uncertain Significance.

Fulgent Genetics
Classification: Uncertain significance for Joubert syndrome 5; Senior-Loken syndrome 6; Meckel syndrome, type 4; Leber congenital amaurosis 10; Bardet-Biedl syndrome 14. Last evaluated: 2024-05-29. Review status: criteria provided, single submitter. Criteria: ACMG Guidelines, 2015. Collection method: clinical testing. Allele origin: germline.

Mayo Clinic Laboratories, Mayo Clinic
Classification: Uncertain significance. Last evaluated: 2023-09-18. Review status: criteria provided, single submitter. Criteria: ACMG Guidelines, 2015. Collection method: clinical testing. Allele origin: germline. Observed: 1 variant allele.
Comment: BP4